The following is an entry in ClinVar:

ClinVar aggregate classification (germline): Uncertain significance (1 of 4 stars; one submission).

Submission:

Labcorp Genetics (formerly Invitae), Labcorp
Classification: Uncertain significance. Last evaluated: 2023-11-07. Review status: criteria provided, single submitter. Criteria: Invitae Variant Classification Sherloc (09022015). Collection method: clinical testing. Allele origin: germline.
Comment: This sequence change replaces arginine, which is basic and polar, with proline, which is neutral and non-polar, at codon 49 of the BACH2 protein (p.Arg49Pro). This variant is not present in population databases (gnomAD no frequency). This variant has not been reported in the literature in individuals affected with BACH2-related conditions. Advanced modeling of protein sequence and biophysical properties (such as structural, functional, and spatial information, amino acid conservation, physicochemical variation, residue mobility, and thermodynamic stability) has been performed at Invitae for this missense variant, however the output from this modeling did not meet the statistical confidence thresholds required to predict the impact of this variant on BACH2 protein function. In summary, the available evidence is currently insufficient to determine the role of this variant in disease. Therefore, it has been classified as a Variant of Uncertain Significance.

NM_021813.4(BACH2):c.146G>C (p.Arg49Pro)

Gene: BACH2 (BACH transcriptional regulator 2; minus strand). Cytogenetic location: 6q15.
Variant type: single nucleotide variant.
Coding change: c.146G>C on transcript NM_021813.4 (MANE Select); coding-DNA position 146, G replaced by C.
Protein change: p.Arg49Pro; replaces arginine 49 with proline.
Molecular consequence: missense variant.
Genome position (GRCh38, 1-based): chr6:90,008,699, C>G on the plus strand (G>C on the coding strand, the complement: BACH2 is on the minus strand). VCF-style: chr6-90008699-C-G. GRCh37 (hg19) VCF-style: chr6-90718418-C-G.
Other names: c.146G>C, p.Arg49Pro (NM_001170794.2); short protein forms R49P.
Identifiers: ClinVar variation 2694085 (VCV002694085.3), dbSNP rs2533639178, ClinGen allele CA365069210.